The following is an entry in ClinVar:

NM_014495.4(ANGPTL3):c.1089T>G (p.Val363=)

Genes: ANGPTL3 (angiopoietin like 3; plus strand), DOCK7 (dedicator of cytokinesis 7; minus strand). Cytogenetic location: 1p31.3.
Variant type: single nucleotide variant.
Coding change: c.1089T>G on transcript NM_014495.4 (MANE Select); coding-DNA position 1089, T replaced by G.
Protein change: p.Val363=; no amino-acid change (valine 363 retained).
Molecular consequence: synonymous variant. On other transcripts: intron variant (7).
Genome position (GRCh38, 1-based): chr1:62,604,126, T>G. VCF-style: chr1-62604126-T-G. GRCh37 (hg19) VCF-style: chr1-63069797-T-G.
Other names: c.1682+14580A>C (NM_001272001.2, NM_001272000.2, NM_033407.4 and 4 more transcripts).
Identifiers: ClinVar variation 2739307 (VCV002739307.5), dbSNP rs763259225, ClinGen allele CA886790.

ClinVar aggregate classification (germline): Likely benign. Review status: criteria provided, single submitter (1 of 4 stars). 2 submissions from 2 submitters: Likely benign (1). 1 of the submissions does not count toward it. Last evaluated 2025-09-14.

Conditions:
ANGPTL3-related disorder. Also called: ANGPTL3-related condition.

Allele frequency attached by ClinVar (database versions not stated): gnomAD 0.00005; TOPMed 0.00006; ExAC 0.00002; gnomAD exomes 0.00008.
gnomAD v4.1: 122 of 1,613,316 alleles (0.0076%); highest among the groups gnomAD compares: Non-Finnish European, 0.01%; no homozygotes.

Submissions (2):

Labcorp Genetics (formerly Invitae), Labcorp
Classification: Likely benign. Last evaluated: 2025-09-14. Review status: criteria provided, single submitter. Criteria: Invitae Variant Classification Sherloc (09022015). Collection method: clinical testing. Allele origin: germline.

PreventionGenetics, part of Exact Sciences
Classification: Likely benign for ANGPTL3-related condition. Last evaluated: 2019-06-21. Review status: no assertion criteria provided. Collection method: clinical testing. Allele origin: germline. Not counted in ClinVar's aggregate classification.
Comment: This variant is classified as likely benign based on ACMG/AMP sequence variant interpretation guidelines (Richards et al. 2015 PMID: 25741868, with internal and published modifications).